The following is an entry in ClinVar:

NM_001082971.2(DDC):c.436-16C>T

Gene: DDC (dopa decarboxylase; minus strand). Cytogenetic location: 7p12.1.
Variant type: single nucleotide variant.
Coding change: c.436-16C>T on transcript NM_001082971.2 (MANE Select); 16 bases into the intron before coding-DNA position 436, C replaced by T.
Molecular consequence: intron variant.
Genome position (GRCh38, 1-based): chr7:50,529,358, G>A on the plus strand (C>T on the coding strand, the complement: DDC is on the minus strand). VCF-style: chr7-50529358-G-A. GRCh37 (hg19) VCF-style: chr7-50597056-G-A.
Other names: p.?; c.202-16C>T (NM_001242888.2); c.322-16C>T (NM_001242886.2); c.435+8502C>T (NM_001242889.2); c.436-16C>T (NM_001242887.2, NM_000790.4, NM_001242890.2).
Identifiers: ClinVar variation 518387 (VCV000518387.20), dbSNP rs6950777, ClinGen allele CA4262368.

ClinVar aggregate classification (germline): Benign/Likely benign. Review status: criteria provided, multiple submitters, no conflicts (2 of 4 stars). 10 submissions from 10 submitters: Benign (6); Likely benign (1). 3 of the submissions do not count toward it. Last evaluated 2026-02-04.

Conditions:
Deficiency of aromatic-L-amino-acid decarboxylase. Also called: Aromatic L-Amino Acid Decarboxylase Deficiency; Aromatic amino acid decarboxylase deficiency; AADC DEFICIENCY; DDC DEFICIENCY; DOPA DECARBOXYLASE DEFICIENCY. Identifiers: Orphanet 35708, MedGen C1291564, MONDO:0012084, OMIM 608643.

Allele frequency attached by ClinVar (database versions not stated): gnomAD exomes 0.23983 and 0.24893; ExAC 0.26119; gnomAD 0.27949 and 0.27974; TOPMed 0.28252; ESP Exome Variant Server 0.29271; 1000 Genomes Project 30x 0.31964; 1000 Genomes Project 0.32009.
gnomAD v4.1: 394,079 of 1,613,124 alleles (24%); highest among the groups gnomAD compares: African/African-American, 39%; 50,494 homozygotes.

Submissions (10):

Labcorp Genetics (formerly Invitae), Labcorp
Classification: Benign for Deficiency of aromatic-L-amino-acid decarboxylase. Last evaluated: 2026-02-04. Review status: criteria provided, single submitter. Criteria: Invitae Variant Classification Sherloc (09022015). Collection method: clinical testing. Allele origin: germline.

Blueprint Genetics
Classification: Likely benign. Last evaluated: 2024-11-27. Review status: criteria provided, single submitter. Criteria: ACMG Guidelines, 2015. Collection method: clinical testing. Allele origin: germline.

Unidad de Genómica Garrahan, Hospital de Pediatría Garrahan
Classification: Benign. Last evaluated: 2024-07-31. Review status: criteria provided, single submitter. Criteria: ACMG Guidelines, 2015. Collection method: clinical testing. Allele origin: germline. Affected: no. Observed: 35 variant alleles.
Comment: This variant is classified as Benign based on local population frequency. This variant was detected in 38% of patients studied in a panel designed for Epileptic and Developmental Encephalopathy, Progressive Myoclonus Epilepsy and Abnormal Movements and Neurodegeneration with brain iron accumulation. Number of patients: 35. Only high quality variants are reported.

Genome-Nilou Lab
Classification: Benign for Deficiency of aromatic-L-amino-acid decarboxylase. Last evaluated: 2021-07-30. Review status: criteria provided, single submitter. Criteria: ACMG Guidelines, 2015. Collection method: clinical testing. Allele origin: germline. Affected: no.

Mayo Clinic Laboratories, Mayo Clinic
Classification: Benign. Last evaluated: 2021-04-07. Review status: criteria provided, single submitter. Criteria: ACMG Guidelines, 2015. Collection method: clinical testing. Allele origin: germline. Observed: 12 variant alleles.

GeneDx
Classification: Benign. Last evaluated: 2021-03-26. Review status: criteria provided, single submitter. Criteria: GeneDx Variant Classification Process June 2021. Collection method: clinical testing. Allele origin: germline. Affected: yes.

Breakthrough Genomics
Classification: Benign. Review status: criteria provided, single submitter. Criteria: ACMG Guidelines, 2015. Collection method: not provided. Allele origin: germline. Inheritance: Autosomal recessive inheritance. Affected: yes.

Clinical Genetics, Academic Medical Center
Classification: Benign. Review status: no assertion criteria provided. Collection method: clinical testing. Allele origin: germline. Affected: yes. Study: VKGL Data-share Consensus. Not counted in ClinVar's aggregate classification.

Diagnostic Laboratory, Department of Genetics, University Medical Center Groningen
Classification: Benign for Deficiency of aromatic-L-amino-acid decarboxylase. Review status: no assertion criteria provided. Collection method: clinical testing. Allele origin: germline. Affected: yes. Study: VKGL Data-share Consensus. Not counted in ClinVar's aggregate classification.

Joint Genome Diagnostic Labs from Nijmegen and Maastricht, Radboudumc and MUMC+
Classification: Benign. Review status: no assertion criteria provided. Collection method: clinical testing. Allele origin: germline. Affected: yes. Study: VKGL Data-share Consensus. Not counted in ClinVar's aggregate classification.